The following is an entry in ClinVar:

ClinVar aggregate classification (germline): Uncertain significance. Review status: criteria provided, multiple submitters, no conflicts (2 of 4 stars). 3 submissions from 3 submitters: Uncertain significance (3). Last evaluated 2025-12-03.

Conditions:
Hereditary cancer-predisposing syndrome. Also called: Neoplastic Syndromes, Hereditary; Tumor predisposition; Hereditary neoplastic syndrome; Hereditary Cancer Syndrome. Identifiers: Orphanet 140162, MedGen C0027672, MeSH D009386, MONDO:0015356.

Allele frequency attached by ClinVar (database versions not stated): ExAC 0.00001; gnomAD 0.00001; gnomAD exomes 0.00001; TOPMed 0.00002.
gnomAD v4.1: 9 of 1,610,374 alleles (0.00056%); highest among the groups gnomAD compares: African/African-American, 0.004%; no homozygotes.

Submissions (3):

Ambry Genetics
Classification: Uncertain significance for Hereditary cancer-predisposing syndrome. Last evaluated: 2025-12-03. Review status: criteria provided, single submitter. Criteria: Ambry Variant Classification Scheme 2023. Collection method: clinical testing. Allele origin: germline.
Comment: The p.N562S variant (also known as c.1685A>G), located in coding exon 11 of the CTNNA1 gene, results from an A to G substitution at nucleotide position 1685. The asparagine at codon 562 is replaced by serine, an amino acid with highly similar properties. This amino acid position is highly conserved in available vertebrate species. In addition, this alteration is predicted to be tolerated by in silico analysis. he evidence for this gene-disease relationship is limited; therefore, the clinical significance of this alteration is unclear.

Labcorp Genetics (formerly Invitae), Labcorp
Classification: Uncertain significance. Last evaluated: 2025-09-09. Review status: criteria provided, single submitter. Criteria: Invitae Variant Classification Sherloc (09022015). Collection method: clinical testing. Allele origin: germline.
Comment: This sequence change replaces asparagine, which is neutral and polar, with serine, which is neutral and polar, at codon 562 of the CTNNA1 protein (p.Asn562Ser). This variant is present in population databases (rs748595002, gnomAD 0.01%). This variant has not been reported in the literature in individuals affected with CTNNA1-related conditions. ClinVar contains an entry for this variant (Variation ID: 839394). Invitae Evidence Modeling of protein sequence and biophysical properties (such as structural, functional, and spatial information, amino acid conservation, physicochemical variation, residue mobility, and thermodynamic stability) indicates that this missense variant is not expected to disrupt CTNNA1 protein function with a negative predictive value of 80%. In summary, the available evidence is currently insufficient to determine the role of this variant in disease. Therefore, it has been classified as a Variant of Uncertain Significance.

GeneDx
Classification: Uncertain significance. Last evaluated: 2024-06-12. Review status: criteria provided, single submitter. Criteria: GeneDx Variant Classification Process June 2021. Collection method: clinical testing. Allele origin: germline. Affected: yes.
Comment: In silico analysis supports that this missense variant has a deleterious effect on protein structure/function; Observed in an individual with unspecified history of cancer referred for hereditary cancer multi-gene panel testing (PMID: 32051609); This variant is associated with the following publications: (PMID: 32051609)

NM_001903.5(CTNNA1):c.1685A>G (p.Asn562Ser)

Gene: CTNNA1 (catenin alpha 1; plus strand). Cytogenetic location: 5q31.2.
Variant type: single nucleotide variant.
Coding change: c.1685A>G on transcript NM_001903.5 (MANE Select); coding-DNA position 1685, A replaced by G.
Protein change: p.Asn562Ser; replaces asparagine 562 with serine.
Molecular consequence: missense variant.
Genome position (GRCh38, 1-based): chr5:138,924,648, A>G. VCF-style: chr5-138924648-A-G. GRCh37 (hg19) VCF-style: chr5-138260337-A-G.
Other names: c.1685A>G, p.Asn562Ser (NM_001290307.3, NM_001323982.2, NM_001323983.1 and 2 more transcripts); c.1376A>G, p.Asn459Ser (NM_001290309.3); c.1316A>G, p.Asn439Ser (NM_001290310.3); c.575A>G, p.Asn192Ser (NM_001290312.1, NM_001323987.1, NM_001323988.1 and 17 more transcripts); c.1592A>G, p.Asn531Ser (NM_001323986.2); c.236A>G, p.Asn79Ser (NM_001324006.1, NM_001324007.1, NM_001324008.1 and 2 more transcripts); c.482A>G, p.Asn161Ser (NM_001324011.1); c.332A>G, p.Asn111Ser (NM_001324012.1, NM_001324013.1); short protein forms N192S, N439S, N79S, N562S, N111S, N161S, N531S, N459S.
Identifiers: ClinVar variation 839394 (VCV000839394.12), dbSNP rs748595002, ClinGen allele CA3432007.